The following is an entry in ClinVar:

ClinVar aggregate classification (germline): Likely benign. Review status: reviewed by expert panel (3 of 4 stars). 7 submissions from 7 submitters: Likely benign (1). 6 of the submissions do not count toward it. Last evaluated 2017-06-29.

Conditions:
Hereditary breast ovarian cancer syndrome. Also called: Hereditary breast and ovarian cancer; Hereditary breast and ovarian cancer syndrome; Breast and ovarian cancer; Hereditary breast and ovarian cancer syndrome (HBOC); Hereditary breast and/or ovarian cancer syndrome; BRCA1- and BRCA2-Associated Hereditary Breast and Ovarian Cancer. Identifiers: Orphanet 145, MedGen C0677776, MeSH D061325, MONDO:0003582. Disease mechanism: loss of function.
Hereditary cancer-predisposing syndrome. Also called: Hereditary Cancer Syndrome; Neoplastic Syndromes, Hereditary; Tumor predisposition; Hereditary neoplastic syndrome. Identifiers: Orphanet 140162, MedGen C0027672, MeSH D009386, MONDO:0015356.
Breast-ovarian cancer, familial, susceptibility to, 2 (BROVCA2). Also called: BRCA2 Hereditary Breast and Ovarian Cancer. Identifiers: Orphanet 145, MedGen C2675520, MONDO:0012933, OMIM 612555. Disease mechanism: loss of function.

Allele frequency attached by ClinVar (database versions not stated): ExAC 0.00001.
gnomAD v4.1: 2 of 1,613,648 alleles (0.00012%); highest among the groups gnomAD compares: Admixed American, 0.0033%; no homozygotes.

Submissions (7):

Evidence-based Network for the Interpretation of Germline Mutant Alleles (ENIGMA)
Classification: Likely benign for Breast-ovarian cancer, familial, susceptibility to, 2. Last evaluated: 2017-06-29. Review status: reviewed by expert panel. Criteria: ENIGMA BRCA1/2 Classification Criteria (2017-06-29). Collection method: curation. Allele origin: germline.
Comment: Synonymous substitution variant, with low bioinformatic likelihood to result in a splicing aberration (Splicing prior probability 0.02).

Labcorp Genetics (formerly Invitae), Labcorp
Classification: Likely benign for Hereditary breast ovarian cancer syndrome. Last evaluated: 2025-12-17. Review status: criteria provided, single submitter. Criteria: Invitae Variant Classification Sherloc (09022015). Collection method: clinical testing. Allele origin: germline. Not counted in ClinVar's aggregate classification.

Quest Diagnostics Nichols Institute San Juan Capistrano
Classification: Likely benign. Last evaluated: 2023-01-12. Review status: criteria provided, single submitter. Criteria: Quest Diagnostics criteria. Collection method: clinical testing. Allele origin: unknown. Not counted in ClinVar's aggregate classification.

Women's Health and Genetics/Laboratory Corporation of America, LabCorp
Classification: Likely benign. Last evaluated: 2019-06-25. Review status: criteria provided, single submitter. Criteria: LabCorp Variant Classification Summary - May 2015. Collection method: clinical testing. Allele origin: germline. Not counted in ClinVar's aggregate classification.

Color Diagnostics, LLC DBA Color Health
Classification: Likely benign for Hereditary cancer-predisposing syndrome. Last evaluated: 2018-02-16. Review status: criteria provided, single submitter. Criteria: ACMG Guidelines, 2015. Collection method: clinical testing. Allele origin: germline. Not counted in ClinVar's aggregate classification.

Ambry Genetics
Classification: Likely benign for Hereditary cancer-predisposing syndrome. Last evaluated: 2014-10-08. Review status: criteria provided, single submitter. Criteria: Ambry Variant Classification Scheme 2023. Collection method: clinical testing. Allele origin: germline. Not counted in ClinVar's aggregate classification.

Counsyl
Classification: Likely benign for Breast-ovarian cancer, familial, susceptibility to, 2. Last evaluated: 2016-02-18. Review status: no assertion criteria provided. Collection method: clinical testing. Allele origin: unknown. Not counted in ClinVar's aggregate classification.

NM_000059.4(BRCA2):c.8352G>A (p.Arg2784=)

Gene: BRCA2 (BRCA2 DNA repair associated; plus strand). Cytogenetic location: 13q13.1.
Variant type: single nucleotide variant.
Coding change: c.8352G>A on transcript NM_000059.4 (MANE Select); coding-DNA position 8352, G replaced by A.
Protein change: p.Arg2784=; no amino-acid change (arginine 2784 retained).
Molecular consequence: synonymous variant.
Genome position (GRCh38, 1-based): chr13:32,370,422, G>A. VCF-style: chr13-32370422-G-A. GRCh37 (hg19) VCF-style: chr13-32944559-G-A.
Identifiers: ClinVar variation 186632 (VCV000186632.25), dbSNP rs747664806, ClinGen allele CA025595.